The following is an entry in ClinVar:

NM_002691.4(POLD1):c.50G>A (p.Arg17Gln)

Gene: POLD1 (DNA polymerase delta 1, catalytic subunit; plus strand). Cytogenetic location: 19q13.33.
Variant type: single nucleotide variant.
Coding change: c.50G>A on transcript NM_002691.4 (MANE Select); coding-DNA position 50, G replaced by A.
Protein change: p.Arg17Gln; replaces arginine 17 with glutamine.
Molecular consequence: missense variant. On other transcripts: non-coding transcript variant (1).
Genome position (GRCh38, 1-based): chr19:50,398,901, G>A. VCF-style: chr19-50398901-G-A. GRCh37 (hg19) VCF-style: chr19-50902158-G-A.
Other names: c.50G>A, p.Arg17Gln (NM_001256849.1, NM_001308632.1); c.50G>A (NM_002691.2); short protein forms R17Q.
Identifiers: ClinVar variation 408008 (VCV000408008.19), dbSNP rs373637566, ClinGen allele CA9595596.

ClinVar aggregate classification (germline): Conflicting classifications of pathogenicity. Review status: criteria provided, conflicting classifications (1 of 4 stars). 5 submissions from 5 submitters: Uncertain significance (4); Likely benign (1). Last evaluated 2025-12-29.

Conditions:
Hereditary cancer-predisposing syndrome. Also called: Neoplastic Syndromes, Hereditary; Hereditary neoplastic syndrome; Hereditary Cancer Syndrome; Tumor predisposition. Identifiers: Orphanet 140162, MedGen C0027672, MeSH D009386, MONDO:0015356.
POLD1-related polyposis and colorectal cancer syndrome (CRCS10). Also called: Colorectal cancer, susceptibility to, 10; Colorectal cancer 10; COLORECTAL CANCER, SUSCEPTIBILITY TO, ON CHROMOSOME 19q. Identifiers: Orphanet 220460, MedGen C2675481, MONDO:0012953, OMIM 612591.

Allele frequency attached by ClinVar (database versions not stated): gnomAD 0.00001; gnomAD exomes 0.00001 and 0.00002; ExAC 0.00003; TOPMed 0.00004; ESP Exome Variant Server 0.00015.
gnomAD v4.1: 24 of 1,600,310 alleles (0.0015%); highest among the groups gnomAD compares: East Asian, 0.009%; no homozygotes.

Submissions (5):

Center for Genomic Medicine, Rigshospitalet, Copenhagen University Hospital
Classification: Uncertain significance. Last evaluated: 2025-12-29. Review status: criteria provided, single submitter. Criteria: ACMG Guidelines, 2015. Collection method: clinical testing. Allele origin: germline.

Labcorp Genetics (formerly Invitae), Labcorp
Classification: Uncertain significance for POLD1-related polyposis and colorectal cancer syndrome. Last evaluated: 2025-12-15. Review status: criteria provided, single submitter. Criteria: Invitae Variant Classification Sherloc (09022015). Collection method: clinical testing. Allele origin: germline.
Comment: This sequence change replaces arginine, which is basic and polar, with glutamine, which is neutral and polar, at codon 17 of the POLD1 protein (p.Arg17Gln). The frequency data for this variant in the population databases is considered unreliable, as metrics indicate poor data quality at this position in the gnomAD database. This variant has not been reported in the literature in individuals affected with POLD1-related conditions. ClinVar contains an entry for this variant (Variation ID: 408008). Experimental studies and prediction algorithms are not available or were not evaluated, and the functional significance of this variant is currently unknown. In summary, the available evidence is currently insufficient to determine the role of this variant in disease. Therefore, it has been classified as a Variant of Uncertain Significance.

Ambry Genetics
Classification: Likely benign for Hereditary cancer-predisposing syndrome. Last evaluated: 2025-01-29. Review status: criteria provided, single submitter. Criteria: Ambry Variant Classification Scheme 2023. Collection method: clinical testing. Allele origin: germline.

Blueprint Genetics
Classification: Uncertain significance. Last evaluated: 2024-10-10. Review status: criteria provided, single submitter. Criteria: ACMG Guidelines, 2015. Collection method: clinical testing. Allele origin: germline.

GeneDx
Classification: Uncertain significance. Last evaluated: 2023-09-21. Review status: criteria provided, single submitter. Criteria: GeneDx Variant Classification Process June 2021. Collection method: clinical testing. Allele origin: germline. Affected: yes.
Comment: In silico analysis supports that this missense variant does not alter protein structure/function; Has not been previously published as pathogenic or benign to our knowledge